The following is an entry in ClinVar:

NC_000001.10:g.(?_94458793)_(94467568_?)del

Gene: ABCA4 (ATP binding cassette subfamily A member 4; minus strand). Cytogenetic location: 1p22.1.
Variant type: Deletion.
Identifiers: ClinVar variation 2422949 (VCV002422949.4).

ClinVar aggregate classification (germline): Pathogenic (1 of 4 stars; one submission).

Submission:

Labcorp Genetics (formerly Invitae), Labcorp
Classification: Pathogenic. Last evaluated: 2022-10-05. Review status: criteria provided, single submitter. Criteria: Invitae Variant Classification Sherloc (09022015). Collection method: clinical testing. Allele origin: germline.
Comment: For these reasons, this variant has been classified as Pathogenic. This variant disrupts a region of the ABCA4 protein in which other variant(s) (p.Leu2241Val) have been determined to be pathogenic (PMID: 29925512; Invitae). This suggests that this is a clinically significant region of the protein, and that variants that disrupt it are likely to be disease-causing. This variant has not been reported in the literature in individuals affected with ABCA4-related conditions. This variant is a gross deletion of the genomic region encompassing exon(s) 45-50 of the ABCA4 gene, which includes the termination codon. This deletion extends beyond the assayed region for this gene and therefore may encompass additional genes. While this deletion is not anticipated to lead to nonsense mediated decay, it is expected to alter mRNA translation or result in a truncated protein product.

Literature cited by the submitters: PubMed 29925512.